The following is an entry in ClinVar:

ClinVar aggregate classification (germline): Uncertain significance. Review status: criteria provided, multiple submitters, no conflicts (2 of 4 stars). 8 submissions from 8 submitters: Uncertain significance (7). 1 of the submissions does not count toward it. Last evaluated 2026-03-09.

Conditions:
IFT172-related disorder. Also called: IFT172-related condition; IFT172-related disorders.
Retinitis pigmentosa 71 (RP71). Identifiers: Orphanet 791, MedGen C4225342, MONDO:0014618, OMIM 616394.
Short-rib thoracic dysplasia 10 with or without polydactyly (SRTD10). Identifiers: Orphanet 474, MedGen C3810175, MONDO:0014284, OMIM 615630.
Bardet-Biedl syndrome 20. Identifiers: MedGen C4310707, MONDO:0023670, OMIM 619471, MONDO:0014926.
Retinal dystrophy. Also called: Inherited retinal dystrophy. Identifiers: Orphanet 71862, MedGen C0854723, MeSH D058499, MONDO:0019118, HP:0000556.
Inborn genetic diseases. Identifiers: MedGen C0950123, MeSH D030342.

Allele frequency attached by ClinVar (database versions not stated): ExAC 0.00013; gnomAD exomes 0.00013 and 0.00023; TOPMed 0.00019; gnomAD 0.00023 and 0.00025; ESP Exome Variant Server 0.00031.
gnomAD v4.1: 369 of 1,613,944 alleles (0.023%); highest among the groups gnomAD compares: Non-Finnish European, 0.03%; 1 homozygote.

Submissions (8):

PreventionGenetics, part of Exact Sciences
Classification: Uncertain significance for IFT172-related condition. Last evaluated: 2026-03-09. Review status: criteria provided, single submitter. Criteria: ACMG Guidelines, 2015. Collection method: clinical testing. Allele origin: germline.
Comment: The IFT172 c.831G>C variant is predicted to result in the amino acid substitution p.Glu277Asp. This variant has been reported in the literature in a patient with focal segmental glomerulosclerosis (FSGS) along with a second variant in the gene; however, phase was not determined (Table S4; Wang et al 2019. PubMed ID: 31308072). This variant is reported in 0.026% of alleles in individuals of European (non-Finnish) descent in gnomAD, including a homozygous individual. At this time, the clinical significance of this variant is uncertain due to the absence of conclusive functional and genetic evidence.

GeneDx
Classification: Uncertain significance. Last evaluated: 2025-07-08. Review status: criteria provided, single submitter. Criteria: GeneDx Variant Classification Process June 2021. Collection method: clinical testing. Allele origin: germline. Affected: yes.
Comment: In silico analysis supports that this missense variant has a deleterious effect on protein structure/function; This variant is associated with the following publications: (PMID: 31308072)

Blueprint Genetics
Classification: Uncertain significance. Last evaluated: 2024-04-24. Review status: criteria provided, single submitter. Criteria: ACMG Guidelines, 2015. Collection method: clinical testing. Allele origin: germline.

Fulgent Genetics
Classification: Uncertain significance for Short-rib thoracic dysplasia 10 with or without polydactyly; Retinitis pigmentosa 71; Bardet-Biedl syndrome 20. Last evaluated: 2024-03-13. Review status: criteria provided, single submitter. Criteria: ACMG Guidelines, 2015. Collection method: clinical testing. Allele origin: germline.

Labcorp Genetics (formerly Invitae), Labcorp
Classification: Uncertain significance for Retinitis pigmentosa 71; Short-rib thoracic dysplasia 10 with or without polydactyly. Last evaluated: 2023-12-22. Review status: criteria provided, single submitter. Criteria: Invitae Variant Classification Sherloc (09022015). Collection method: clinical testing. Allele origin: germline.
Comment: This sequence change replaces glutamic acid, which is acidic and polar, with aspartic acid, which is acidic and polar, at codon 277 of the IFT172 protein (p.Glu277Asp). This variant is present in population databases (rs150938554, gnomAD 0.03%). This variant has not been reported in the literature in individuals affected with IFT172-related conditions. ClinVar contains an entry for this variant (Variation ID: 373496). Advanced modeling of protein sequence and biophysical properties (such as structural, functional, and spatial information, amino acid conservation, physicochemical variation, residue mobility, and thermodynamic stability) performed at Invitae indicates that this missense variant is not expected to disrupt IFT172 protein function with a negative predictive value of 80%. In summary, the available evidence is currently insufficient to determine the role of this variant in disease. Therefore, it has been classified as a Variant of Uncertain Significance.

Mayo Clinic Laboratories, Mayo Clinic
Classification: Uncertain significance. Last evaluated: 2023-10-09. Review status: criteria provided, single submitter. Criteria: ACMG Guidelines, 2015. Collection method: clinical testing. Allele origin: germline. Observed: 1 variant allele.

Ambry Genetics
Classification: Uncertain significance for Inborn genetic diseases. Last evaluated: 2021-08-10. Review status: criteria provided, single submitter. Criteria: Ambry Variant Classification Scheme 2023. Collection method: clinical testing. Allele origin: germline.

Institute of Human Genetics, Univ. Regensburg, Univ. Regensburg
Classification: Likely benign for Retinal dystrophy. Last evaluated: 2019-01-01. Review status: no assertion criteria provided. Criteria: ACMG Guidelines, 2015. Collection method: clinical testing. Allele origin: germline. Affected: yes. Not counted in ClinVar's aggregate classification.

NM_015662.3(IFT172):c.831G>C (p.Glu277Asp)

Gene: IFT172 (intraflagellar transport 172; minus strand). Cytogenetic location: 2p23.3.
Variant type: single nucleotide variant.
Coding change: c.831G>C on transcript NM_015662.3 (MANE Select); coding-DNA position 831, G replaced by C.
Protein change: p.Glu277Asp; replaces glutamic acid 277 with aspartic acid.
Molecular consequence: missense variant.
Genome position (GRCh38, 1-based): chr2:27,480,104, C>G on the plus strand (G>C on the coding strand, the complement: IFT172 is on the minus strand). VCF-style: chr2-27480104-C-G. GRCh37 (hg19) VCF-style: chr2-27702971-C-G.
Other names: p.Glu277Asp; short protein forms E277D.
Identifiers: ClinVar variation 373496 (VCV000373496.21), dbSNP rs150938554, ClinGen allele CA1580852.